The following is an entry in ClinVar:

ClinVar aggregate classification (germline): Uncertain significance (1 of 4 stars; one submission).

Submission:

Labcorp Genetics (formerly Invitae), Labcorp
Classification: Uncertain significance. Last evaluated: 2025-01-29. Review status: criteria provided, single submitter. Criteria: Invitae Variant Classification Sherloc (09022015). Collection method: clinical testing. Allele origin: germline.
Comment: This sequence change creates a premature translational stop signal (p.Met172Argfs*7) in the KANK1 gene. It is expected to result in an absent or disrupted protein product. However, the current clinical and genetic evidence is not sufficient to establish whether loss-of-function variants in KANK1 cause disease. This variant is present in population databases (rs757529420, gnomAD 0.003%). This variant has not been reported in the literature in individuals affected with KANK1-related conditions. ClinVar contains an entry for this variant (Variation ID: 1968447). In summary, the available evidence is currently insufficient to determine the role of this variant in disease. Therefore, it has been classified as a Variant of Uncertain Significance.

NM_015158.5(KANK1):c.504_514dup (p.Met172fs)

Gene: KANK1 (KN motif and ankyrin repeat domains 1; plus strand). Cytogenetic location: 9p24.3.
Variant type: Duplication.
Coding change: c.504_514dup on transcript NM_015158.5 (MANE Select); coding-DNA positions 504 to 514, 11 bases duplicated (GAGAGCCACCA).
Protein change: p.Met172fs; shifts the reading frame from methionine 172.
Molecular consequence: frameshift variant. On other transcripts: non-coding transcript variant (1).
Genome position (GRCh38, 1-based): chr9:711,270-711,280, GAGAGCCACCA duplicated; duplicating any 11 consecutive bases within chr9:711,269-711,280 gives the same sequence; the c. name uses the placement nearest the transcript's 3' end. VCF-style (leftmost placement, unchanged base first): chr9-711268-G-GAGAGAGCCACC. GRCh37 (hg19) VCF-style: chr9-711268-G-GAGAGAGCCACC.
Other names: c.504_514dup, p.Met172fs (NM_001256876.3, NM_001256877.3, NM_001354331.2 and 2 more transcripts); c.30_40dup, p.Met14fs (NM_001354333.2, NM_001354335.2, NM_001354336.2 and 9 more transcripts); short protein forms M14fs, M172fs.
Identifiers: ClinVar variation 1968447 (VCV001968447.5), dbSNP rs757529420, ClinGen allele CA4959960.
Genomic context (GRCh38, chr9:711,268, plus strand): 5'-CCAAAGCATAACCTTCATGTCACCAAGACACTGATGGAGACCCGGAGAAGACTGGAACAG[G>GAGAGAGCCACC]AGAGAGCCACCATGCAGATGACACCGGGTGAGTTCAGAAGGCCCAGGCTGGCCAGTTTTG-3'